The following is an entry in ClinVar:

ClinVar aggregate classification (germline): Uncertain significance (1 of 4 stars; one submission).

Conditions:
Malignant hyperthermia, susceptibility to, 5 (MHS5). Also called: CACNA1S-Related Malignant Hyperthermia Susceptibility. Identifiers: Orphanet 423, MedGen C1866077, MONDO:0011163, OMIM 601887.

Submission:

All of Us Research Program, National Institutes of Health
Classification: Uncertain significance for Malignant hyperthermia, susceptibility to, 5. Last evaluated: 2024-08-13. Review status: criteria provided, single submitter. Criteria: ACMG Guidelines, 2015. Collection method: clinical testing. Allele origin: germline. Inheritance: Autosomal dominant inheritance. Observed: 1 variant allele, 1 heterozygote.
Comment: This variant deletes 1 nucleotide in exon 43/44 of the CACNA1S gene, creating a frameshift and premature translation stop signal. This variant is expected to result in an absent or non-functional protein product. To our knowledge, this variant has not been reported in individuals affected with CACNA1S-related disorders in the literature. This variant has been identified in 3/250500 chromosomes in the general population by the Genome Aggregation Database (gnomAD). Loss of CACNA1S function due to truncation variants is not an established disease mechanism for autosomal dominant malignant hyperthermia, although it is associated with other phenotype(s) (ClinVar). Due to insufficient evidence, this variant is classified as a Variant of Uncertain Significance for autosomal dominant malignant hyperthermia.

This study involves interpretation of variants in research participants for the purpose of population health screening. Participant phenotype was not available at the time of variant classification. Additional details can be found in publication PMID: 35346344, PMCID: PMC8962531

NM_000069.3(CACNA1S):c.5264del (p.Lys1755fs)

Gene: CACNA1S (calcium voltage-gated channel subunit alpha1 S; minus strand). Cytogenetic location: 1q32.1.
Variant type: Deletion.
Coding change: c.5264del on transcript NM_000069.3 (MANE Select); coding-DNA position 5264, one base deleted (A; older notation c.5264delA).
Protein change: p.Lys1755fs; shifts the reading frame from lysine 1755.
Molecular consequence: frameshift variant.
Genome position (GRCh38, 1-based): chr1:201,040,337, T deleted on the plus strand (A on the coding strand, the reverse complement: CACNA1S is on the minus strand); the first of 3 consecutive T bases (chr1:201,040,337-201,040,339); deleting any one gives the same sequence. VCF-style (leftmost placement, unchanged base first): chr1-201040336-CT-C. GRCh37 (hg19) VCF-style: chr1-201009464-CT-C.
Other names: short protein forms K1755fs.
Identifiers: ClinVar variation 3386271 (VCV003386271.1).